The following is an entry in ClinVar:

NM_012210.4(TRIM32):c.1225C>T (p.Arg409Cys)

Genes: ASTN2 (astrotactin 2; minus strand), TRIM32 (tripartite motif containing 32; plus strand). Cytogenetic location: 9q33.1.
Variant type: single nucleotide variant.
Coding change: c.1225C>T on transcript NM_012210.4 (MANE Select); coding-DNA position 1225, C replaced by T.
Protein change: p.Arg409Cys; replaces arginine 409 with cysteine.
Molecular consequence: missense variant. On other transcripts: intron variant (3).
Genome position (GRCh38, 1-based): chr9:116,698,967, C>T. VCF-style: chr9-116698967-C-T. GRCh37 (hg19) VCF-style: chr9-119461246-C-T.
Other names: c.1225C>T, p.Arg409Cys (NM_001099679.2, NM_001379048.1, NM_001379049.1 and 1 more transcripts); c.2653+26804G>A (NM_014010.5); c.2794+26804G>A (NM_001365069.1); c.2806+26804G>A (NM_001365068.1); short protein forms R409C.
Identifiers: ClinVar variation 654894 (VCV000654894.5), dbSNP rs765158423, ClinGen allele CA5211122.

ClinVar aggregate classification (germline): Uncertain significance. Review status: criteria provided, single submitter (1 of 4 stars). 2 submissions from 2 submitters: Uncertain significance (1). 1 of the submissions does not count toward it. Last evaluated 2022-08-21.

Conditions:
Bardet-Biedl syndrome (BBS). Identifiers: Orphanet 110, MedGen C0752166, MONDO:0015229.
TRIM32-related disorder. Also called: TRIM32-related condition.

Allele frequency attached by ClinVar (database versions not stated): ExAC 0.00001; gnomAD 0.00001; gnomAD exomes 0.00001; TOPMed 0.00001.
gnomAD v4.1: 14 of 1,614,052 alleles (0.00087%); highest among the groups gnomAD compares: South Asian, 0.0033%; no homozygotes.

Submissions (2):

Labcorp Genetics (formerly Invitae), Labcorp
Classification: Uncertain significance for Bardet-Biedl syndrome. Last evaluated: 2022-08-21. Review status: criteria provided, single submitter. Criteria: Invitae Variant Classification Sherloc (09022015). Collection method: clinical testing. Allele origin: germline.
Comment: This sequence change replaces arginine, which is basic and polar, with cysteine, which is neutral and slightly polar, at codon 409 of the TRIM32 protein (p.Arg409Cys). This variant is present in population databases (rs765158423, gnomAD 0.003%). This variant has not been reported in the literature in individuals affected with TRIM32-related conditions. ClinVar contains an entry for this variant (Variation ID: 654894). Algorithms developed to predict the effect of missense changes on protein structure and function (SIFT, PolyPhen-2, Align-GVGD) all suggest that this variant is likely to be disruptive. In summary, the available evidence is currently insufficient to determine the role of this variant in disease. Therefore, it has been classified as a Variant of Uncertain Significance.

PreventionGenetics, part of Exact Sciences
Classification: Uncertain significance for TRIM32-related condition. Last evaluated: 2024-05-23. Review status: no assertion criteria provided. Collection method: clinical testing. Allele origin: germline. Not counted in ClinVar's aggregate classification.
Comment: The TRIM32 c.1225C>T variant is predicted to result in the amino acid substitution p.Arg409Cys. To our knowledge, this variant has not been reported in the literature. This variant is reported in 0.0033% of alleles in individuals of South Asian descent in gnomAD. At this time, the clinical significance of this variant is uncertain due to the absence of conclusive functional and genetic evidence.